The following is an entry in ClinVar:

ClinVar aggregate classification (germline): Uncertain significance. Review status: criteria provided, multiple submitters, no conflicts (2 of 4 stars). 2 submissions from 2 submitters: Uncertain significance (2). Last evaluated 2024-10-03.

Conditions:
Hereditary cancer-predisposing syndrome. Also called: Hereditary Cancer Syndrome; Tumor predisposition; Hereditary neoplastic syndrome; Neoplastic Syndromes, Hereditary. Identifiers: Orphanet 140162, MedGen C0027672, MeSH D009386, MONDO:0015356.

Allele frequency attached by ClinVar (database versions not stated): gnomAD exomes below 0.00001.
gnomAD v4.1: 4 of 1,614,162 alleles (0.00025%); highest among the groups gnomAD compares: Non-Finnish European, 0.00034%; no homozygotes.

Submissions (2):

Ambry Genetics
Classification: Uncertain significance for Hereditary cancer-predisposing syndrome. Last evaluated: 2024-10-03. Review status: criteria provided, single submitter. Criteria: Ambry Variant Classification Scheme 2023. Collection method: clinical testing. Allele origin: germline.
Comment: The p.E873D variant (also known as c.2619G>T), located in coding exon 17 of the CTNNA1 gene, results from a G to T substitution at nucleotide position 2619. The glutamic acid at codon 873 is replaced by aspartic acid, an amino acid with highly similar properties. This amino acid position is conserved. In addition, this alteration is predicted to be tolerated by in silico analysis. The evidence for this gene-disease relationship is limited; therefore, the clinical significance of this alteration is unclear.

Labcorp Genetics (formerly Invitae), Labcorp
Classification: Uncertain significance. Last evaluated: 2024-04-29. Review status: criteria provided, single submitter. Criteria: Invitae Variant Classification Sherloc (09022015). Collection method: clinical testing. Allele origin: germline.
Comment: This sequence change replaces glutamic acid, which is acidic and polar, with aspartic acid, which is acidic and polar, at codon 873 of the CTNNA1 protein (p.Glu873Asp). This variant is present in population databases (rs376239375, gnomAD 0.002%). This variant has not been reported in the literature in individuals affected with CTNNA1-related conditions. ClinVar contains an entry for this variant (Variation ID: 1042908). Advanced modeling of protein sequence and biophysical properties (such as structural, functional, and spatial information, amino acid conservation, physicochemical variation, residue mobility, and thermodynamic stability) performed at Invitae indicates that this missense variant is not expected to disrupt CTNNA1 protein function with a negative predictive value of 80%. In summary, the available evidence is currently insufficient to determine the role of this variant in disease. Therefore, it has been classified as a Variant of Uncertain Significance.

NM_001903.5(CTNNA1):c.2619G>T (p.Glu873Asp)

Gene: CTNNA1 (catenin alpha 1; plus strand). Cytogenetic location: 5q31.2.
Variant type: single nucleotide variant.
Coding change: c.2619G>T on transcript NM_001903.5 (MANE Select); coding-DNA position 2619, G replaced by T.
Protein change: p.Glu873Asp; replaces glutamic acid 873 with aspartic acid.
Molecular consequence: missense variant. On other transcripts: 3 prime UTR variant (5).
Genome position (GRCh38, 1-based): chr5:138,933,987, G>T. VCF-style: chr5-138933987-G-T. GRCh37 (hg19) VCF-style: chr5-138269676-G-T.
Other names: c.*164G>T (NM_001290307.3, NM_001324002.1, NM_001324003.1 and 2 more transcripts); c.2310G>T, p.Glu770Asp (NM_001290309.3); c.2250G>T, p.Glu750Asp (NM_001290310.3); c.1509G>T, p.Glu503Asp (NM_001290312.1, NM_001323987.1, NM_001323988.1 and 12 more transcripts); c.2619G>T, p.Glu873Asp (NM_001323982.2, NM_001323983.1, NM_001323984.2); c.2592G>T, p.Glu864Asp (NM_001323985.2); c.2526G>T, p.Glu842Asp (NM_001323986.2); c.1374G>T, p.Glu458Asp (NM_001324001.1); and 3 more; short protein forms E873D, E390D, E422D, E458D, E472D, E842D, E864D, E503D.
Identifiers: ClinVar variation 1042908 (VCV001042908.12), dbSNP rs376239375, ClinGen allele CA3432275.